The following is an entry in ClinVar:

NM_000161.3(GCH1):c.181G>T (p.Glu61Ter)

Gene: GCH1 (GTP cyclohydrolase 1; minus strand). Cytogenetic location: 14q22.2.
Variant type: single nucleotide variant.
Coding change: c.181G>T on transcript NM_000161.3 (MANE Select); coding-DNA position 181, G replaced by T.
Protein change: p.Glu61Ter; replaces glutamic acid 61 with a stop codon.
Molecular consequence: nonsense.
Genome position (GRCh38, 1-based): chr14:54,902,483, C>A on the plus strand (G>T on the coding strand, the complement: GCH1 is on the minus strand). VCF-style: chr14-54902483-C-A. GRCh37 (hg19) VCF-style: chr14-55369201-C-A.
Other names: c.181G>T, p.Glu61Ter (NM_001024024.2, NM_001024070.2, NM_001024071.2 and 1 more transcripts); short protein forms E61*.
Identifiers: ClinVar variation 4997095 (VCV004997095.1).

ClinVar aggregate classification (germline): Pathogenic (1 of 4 stars; one submission).

Conditions:
GCH1-related disorder. Also called: GCH1-related condition.

Submission:

PreventionGenetics, part of Exact Sciences
Classification: Pathogenic for GCH1-related condition. Last evaluated: 2025-08-11. Review status: criteria provided, single submitter. Criteria: ACMG Guidelines, 2015. Collection method: clinical testing. Allele origin: germline.
Comment: The GCH1 c.181G>T variant is predicted to result in premature protein termination (p.Glu61*). This variant has been reported as a familial variant or de novo in multiple patients with autosomal dominant dopa-responsive dystonia (Steinberger et al. 2000. PubMed ID: 11113234; Bouhouche et al. 2024. PubMed ID: 38974698). This variant has not been reported in a large population database (gnomAD), indicating this variant is rare. Nonsense variants in GCH1 are expected to be pathogenic. This variant is interpreted as pathogenic.